The following is an entry in ClinVar:

ClinVar aggregate classification (germline): Conflicting classifications of pathogenicity. Review status: criteria provided, conflicting classifications (1 of 4 stars). 4 submissions from 4 submitters: Uncertain significance (3); Likely benign (1). Last evaluated 2025-02-10.

Conditions:
Hereditary cancer-predisposing syndrome. Also called: Tumor predisposition; Hereditary Cancer Syndrome; Hereditary neoplastic syndrome; Neoplastic Syndromes, Hereditary. Identifiers: Orphanet 140162, MedGen C0027672, MeSH D009386, MONDO:0015356.
Hereditary breast ovarian cancer syndrome. Also called: Hereditary breast and ovarian cancer; Hereditary breast and ovarian cancer syndrome; Breast and ovarian cancer; BRCA1- and BRCA2-Associated Hereditary Breast and Ovarian Cancer; Hereditary breast and/or ovarian cancer syndrome; Hereditary breast and ovarian cancer syndrome (HBOC). Identifiers: Orphanet 145, MedGen C0677776, MeSH D061325, MONDO:0003582. Disease mechanism: loss of function.

Allele frequency attached by ClinVar (database versions not stated): gnomAD exomes below 0.00001.
gnomAD v4.1: 1 of 1,596,700 alleles (0.000063%); highest among the groups gnomAD compares: South Asian, 0.0012%; no homozygotes.

Submissions (4):

Labcorp Genetics (formerly Invitae), Labcorp
Classification: Uncertain significance for Hereditary breast ovarian cancer syndrome. Last evaluated: 2025-02-10. Review status: criteria provided, single submitter. Criteria: Invitae Variant Classification Sherloc (09022015). Collection method: clinical testing. Allele origin: germline.
Comment: This sequence change replaces threonine, which is neutral and polar, with alanine, which is neutral and non-polar, at codon 1346 of the BRCA2 protein (p.Thr1346Ala). This variant is not present in population databases (gnomAD no frequency). This variant has not been reported in the literature in individuals affected with BRCA2-related conditions. ClinVar contains an entry for this variant (Variation ID: 1443847). Invitae Evidence Modeling of protein sequence and biophysical properties (such as structural, functional, and spatial information, amino acid conservation, physicochemical variation, residue mobility, and thermodynamic stability) indicates that this missense variant is not expected to disrupt BRCA2 protein function with a negative predictive value of 95%. In summary, the available evidence is currently insufficient to determine the role of this variant in disease. Therefore, it has been classified as a Variant of Uncertain Significance.

GeneDx
Classification: Uncertain significance. Last evaluated: 2023-05-28. Review status: criteria provided, single submitter. Criteria: GeneDx Variant Classification Process June 2021. Collection method: clinical testing. Allele origin: germline. Affected: yes.
Comment: Not observed at significant frequency in large population cohorts (gnomAD); In silico analysis supports that this missense variant has a deleterious effect on protein structure/function; Has not been previously published as pathogenic or benign to our knowledge; Also known as 4264A>G; This variant is associated with the following publications: (PMID: 31911673)

University of Washington Department of Laboratory Medicine, University of Washington
Classification: Likely benign for Hereditary cancer-predisposing syndrome. Last evaluated: 2023-03-23. Review status: criteria provided, single submitter. Criteria: Dines et al. (Genet Med. 2020). Collection method: curation. Allele origin: germline.
Comment: Missense variant in a coldspot region where missense variants are very unlikely to be pathogenic (PMID:31911673).

BRCA2 exon 11 coldspot. Reclassification based on statistical prior probability.

Ambry Genetics
Classification: Uncertain significance for Hereditary cancer-predisposing syndrome. Last evaluated: 2022-03-28. Review status: criteria provided, single submitter. Criteria: Ambry Variant Classification Scheme 2023. Collection method: clinical testing. Allele origin: germline.
Comment: The p.T1346A variant (also known as c.4036A>G), located in coding exon 10 of the BRCA2 gene, results from an A to G substitution at nucleotide position 4036. The threonine at codon 1346 is replaced by alanine, an amino acid with similar properties. This amino acid position is not well conserved in available vertebrate species. In addition, this alteration is predicted to be tolerated by in silico analysis. Since supporting evidence is limited at this time, the clinical significance of this alteration remains unclear.

NM_000059.4(BRCA2):c.4036A>G (p.Thr1346Ala)

Gene: BRCA2 (BRCA2 DNA repair associated; plus strand). Cytogenetic location: 13q13.1.
Variant type: single nucleotide variant.
Coding change: c.4036A>G on transcript NM_000059.4 (MANE Select); coding-DNA position 4036, A replaced by G.
Protein change: p.Thr1346Ala; replaces threonine 1346 with alanine.
Molecular consequence: missense variant.
Genome position (GRCh38, 1-based): chr13:32,338,391, A>G. VCF-style: chr13-32338391-A-G. GRCh37 (hg19) VCF-style: chr13-32912528-A-G.
Other names: short protein forms T1346A.
Identifiers: ClinVar variation 1443847 (VCV001443847.13), dbSNP rs2137502300, ClinGen allele CA387779079.